The following is an entry in ClinVar:

NM_058216.3(RAD51C):c.855G>C (p.Gln285His)

Gene: RAD51C (RAD51 paralog C; plus strand). Cytogenetic location: 17q22.
Variant type: single nucleotide variant.
Coding change: c.855G>C on transcript NM_058216.3 (MANE Select); coding-DNA position 855, G replaced by C.
Protein change: p.Gln285His; replaces glutamine 285 with histidine.
Molecular consequence: missense variant. On other transcripts: non-coding transcript variant (1).
Genome position (GRCh38, 1-based): chr17:58,720,763, G>C. VCF-style: chr17-58720763-G-C. GRCh37 (hg19) VCF-style: chr17-56798124-G-C.
Other names: short protein forms Q285H.
Identifiers: ClinVar variation 822561 (VCV000822561.15), dbSNP rs876660369, ClinGen allele CA400359422.
Genomic context (GRCh38, chr17:58,720,763, plus strand): 5'-TTCAAAGAGACTCACCTAATTTTCTTACATTTTGTTTTTGTAGGTAATTTTAACCAATCA[G>C]ATGACAACAAAGATTGATAGAAATCAGGCCTTGCTTGTTCCTGCATTAGGTGGGTAATTA-3'
Protein context (NP_478123.1, residues 275-295): NHRLAVILTN[Gln285His]MTTKIDRNQA

ClinVar aggregate classification (germline): Conflicting classifications of pathogenicity. Review status: criteria provided, conflicting classifications (1 of 4 stars). 2 submissions from 2 submitters: Uncertain significance (1); Likely benign (1). Last evaluated 2025-10-09.

Conditions:
Fanconi anemia complementation group O. Also called: RAD51C-Related Fanconi Anemia. Identifiers: Orphanet 84, MedGen C3150653, MONDO:0013248, OMIM 613390.
Hereditary cancer-predisposing syndrome. Also called: Hereditary Cancer Syndrome; Neoplastic Syndromes, Hereditary; Hereditary neoplastic syndrome; Tumor predisposition. Identifiers: Orphanet 140162, MedGen C0027672, MeSH D009386, MONDO:0015356.

Submissions (2):

Ambry Genetics
Classification: Likely benign for Hereditary cancer-predisposing syndrome. Last evaluated: 2025-10-09. Review status: criteria provided, single submitter. Criteria: Ambry Variant Classification Scheme 2023. Collection method: clinical testing. Allele origin: germline.

Labcorp Genetics (formerly Invitae), Labcorp
Classification: Uncertain significance for Fanconi anemia complementation group O. Last evaluated: 2019-11-15. Review status: criteria provided, single submitter. Criteria: Invitae Variant Classification Sherloc (09022015). Collection method: clinical testing. Allele origin: germline.
Comment: This variant is not present in population databases (ExAC no frequency). This sequence change replaces glutamine with histidine at codon 285 of the RAD51C protein (p.Gln285His). The glutamine residue is highly conserved and there is a small physicochemical difference between glutamine and histidine. This variant has not been reported in the literature in individuals with RAD51C-related conditions. In summary, the available evidence is currently insufficient to determine the role of this variant in disease. Therefore, it has been classified as a Variant of Uncertain Significance. Algorithms developed to predict the effect of missense changes on protein structure and function are either unavailable or do not agree on the potential impact of this missense change (SIFT: "Deleterious"; PolyPhen-2: "Benign"; Align-GVGD: "Class C0").